The following is an entry in ClinVar:

ClinVar aggregate classification (germline): Uncertain significance (1 of 4 stars; one submission).

Conditions:
Ullrich congenital muscular dystrophy 2 (UCMD2). Identifiers: Orphanet 75840, MedGen C4225314, MONDO:0014654, OMIM 616470.
Bethlem myopathy 2 (BTHLM2). Identifiers: Orphanet 536516, Orphanet 610, MedGen C4225313, MONDO:0034022, OMIM 616471.

Submission:

Labcorp Genetics (formerly Invitae), Labcorp
Classification: Uncertain significance for Bethlem myopathy 2; Ullrich congenital muscular dystrophy 2. Last evaluated: 2022-03-09. Review status: criteria provided, single submitter. Criteria: Invitae Variant Classification Sherloc (09022015). Collection method: clinical testing. Allele origin: germline.
Comment: In summary, the available evidence is currently insufficient to determine the role of this variant in disease. Therefore, it has been classified as a Variant of Uncertain Significance. Algorithms developed to predict the effect of missense changes on protein structure and function are either unavailable or do not agree on the potential impact of this missense change (SIFT: "Deleterious"; PolyPhen-2: "Benign"; Align-GVGD: "Class C0"). ClinVar contains an entry for this variant (Variation ID: 639832). This variant has not been reported in the literature in individuals affected with COL12A1-related conditions. This variant is not present in population databases (gnomAD no frequency). This sequence change replaces valine, which is neutral and non-polar, with alanine, which is neutral and non-polar, at codon 1029 of the COL12A1 protein (p.Val1029Ala).

NM_004370.6(COL12A1):c.3086T>C (p.Val1029Ala)

Gene: COL12A1 (collagen type XII alpha 1 chain; minus strand). Cytogenetic location: 6q13.
Variant type: single nucleotide variant.
Coding change: c.3086T>C on transcript NM_004370.6 (MANE Select); coding-DNA position 3086, T replaced by C.
Protein change: p.Val1029Ala; replaces valine 1029 with alanine.
Molecular consequence: missense variant. On other transcripts: intron variant (1).
Genome position (GRCh38, 1-based): chr6:75,156,421, A>G on the plus strand (T>C on the coding strand, the complement: COL12A1 is on the minus strand). VCF-style: chr6-75156421-A-G. GRCh37 (hg19) VCF-style: chr6-75866137-A-G.
Other names: c.74-3939T>C (NM_080645.3); short protein forms V1029A.
Identifiers: ClinVar variation 639832 (VCV000639832.9), dbSNP rs1582147110, ClinGen allele CA364754277.